The following is an entry in ClinVar:

NM_014141.6(CNTNAP2):c.3736A>G (p.Asn1246Asp)

Gene: CNTNAP2 (contactin associated protein 2; plus strand). Cytogenetic location: 7q36.1.
Variant type: single nucleotide variant.
Coding change: c.3736A>G on transcript NM_014141.6 (MANE Select); coding-DNA position 3736, A replaced by G.
Protein change: p.Asn1246Asp; replaces asparagine 1246 with aspartic acid.
Molecular consequence: missense variant.
Genome position (GRCh38, 1-based): chr7:148,409,411, A>G. VCF-style: chr7-148409411-A-G. GRCh37 (hg19) VCF-style: chr7-148106503-A-G.
Other names: short protein forms N1246D.
Identifiers: ClinVar variation 1994546 (VCV001994546.4), dbSNP rs1314045416, ClinGen allele CA369706506.

ClinVar aggregate classification (germline): Uncertain significance (1 of 4 stars; one submission).

Conditions:
Cortical dysplasia-focal epilepsy syndrome (PTHSL1). Also called: Pitt-Hopkins-like syndrome 1. Identifiers: Orphanet 163681, Orphanet 221150, MedGen C2750246, MONDO:0012400, OMIM 610042.

Submission:

Labcorp Genetics (formerly Invitae), Labcorp
Classification: Uncertain significance for Cortical dysplasia-focal epilepsy syndrome. Last evaluated: 2022-10-14. Review status: criteria provided, single submitter. Criteria: Invitae Variant Classification Sherloc (09022015). Collection method: clinical testing. Allele origin: germline.
Comment: In summary, the available evidence is currently insufficient to determine the role of this variant in disease. Therefore, it has been classified as a Variant of Uncertain Significance. Algorithms developed to predict the effect of missense changes on protein structure and function (SIFT, PolyPhen-2, Align-GVGD) all suggest that this variant is likely to be tolerated. This variant has not been reported in the literature in individuals affected with CNTNAP2-related conditions. This variant is not present in population databases (gnomAD no frequency). This sequence change replaces asparagine, which is neutral and polar, with aspartic acid, which is acidic and polar, at codon 1246 of the CNTNAP2 protein (p.Asn1246Asp).